The following is an entry in ClinVar:

ClinVar aggregate classification (germline): Uncertain significance. Review status: criteria provided, multiple submitters, no conflicts (2 of 4 stars). 2 submissions from 2 submitters: Uncertain significance (2). Last evaluated 2024-10-29.

Conditions:
Inborn genetic diseases. Identifiers: MedGen C0950123, MeSH D030342.

Allele frequency attached by ClinVar (database versions not stated): TOPMed 0.00007; ESP Exome Variant Server 0.00008.
gnomAD v4.1: 62 of 1,611,814 alleles (0.0038%); highest among the groups gnomAD compares: Middle Eastern, 0.033%; no homozygotes.

Submissions (2):

Ambry Genetics
Classification: Uncertain significance for Inborn genetic diseases. Last evaluated: 2024-10-29. Review status: criteria provided, single submitter. Criteria: Ambry Variant Classification Scheme 2023. Collection method: clinical testing. Allele origin: germline.

Labcorp Genetics (formerly Invitae), Labcorp
Classification: Uncertain significance. Last evaluated: 2022-09-08. Review status: criteria provided, single submitter. Criteria: Invitae Variant Classification Sherloc (09022015). Collection method: clinical testing. Allele origin: germline.
Comment: In summary, the available evidence is currently insufficient to determine the role of this variant in disease. Therefore, it has been classified as a Variant of Uncertain Significance. Algorithms developed to predict the effect of missense changes on protein structure and function are either unavailable or do not agree on the potential impact of this missense change (SIFT: "Tolerated"; PolyPhen-2: "Possibly Damaging"; Align-GVGD: "Class C0"). ClinVar contains an entry for this variant (Variation ID: 1019481). This variant has not been reported in the literature in individuals affected with SLC9A3R1-related conditions. This variant is present in population databases (rs369327875, gnomAD 0.009%). This sequence change replaces glutamic acid, which is acidic and polar, with lysine, which is basic and polar, at codon 237 of the SLC9A3R1 protein (p.Glu237Lys).

NM_004252.5(NHERF1):c.709G>A (p.Glu237Lys)

Gene: NHERF1 (NHERF family PDZ scaffold protein 1; plus strand). Cytogenetic location: 17q25.1.
Variant type: single nucleotide variant.
Coding change: c.709G>A on transcript NM_004252.5 (MANE Select); coding-DNA position 709, G replaced by A.
Protein change: p.Glu237Lys; replaces glutamic acid 237 with lysine.
Molecular consequence: missense variant.
Genome position (GRCh38, 1-based): chr17:74,763,472, G>A. VCF-style: chr17-74763472-G-A. GRCh37 (hg19) VCF-style: chr17-72759611-G-A.
Other names: c.709G>A (NM_004252.3); short protein forms E237K.
Identifiers: ClinVar variation 1019481 (VCV001019481.9), dbSNP rs369327875, ClinGen allele CA8750698.